The following is an entry in ClinVar:

ClinVar aggregate classification (germline): Uncertain significance (1 of 4 stars; one submission).

Allele frequency attached by ClinVar (database versions not stated): gnomAD exomes below 0.00001.
gnomAD v4.1: 2 of 1,613,792 alleles (0.00012%); highest among the groups gnomAD compares: Non-Finnish European, 0.00017%; no homozygotes.

Submission:

GeneDx
Classification: Uncertain significance. Last evaluated: 2019-06-19. Review status: criteria provided, single submitter. Criteria: GeneDx Variant Classification Process June 2021. Collection method: clinical testing. Allele origin: germline. Affected: yes.
Comment: Not observed in large population cohorts (Lek et al., 2016); Nonsense variant predicted to result in protein truncation or nonsense mediated decay in a gene for which loss-of-function is not a known mechanism of disease; Has not been previously published as pathogenic or benign to our knowledge

NM_001614.5(ACTG1):c.670G>T (p.Glu224Ter)

Gene: ACTG1 (actin gamma 1; minus strand). Cytogenetic location: 17q25.3.
Variant type: single nucleotide variant.
Coding change: c.670G>T on transcript NM_001614.5 (MANE Select); coding-DNA position 670, G replaced by T.
Protein change: p.Glu224Ter; replaces glutamic acid 224 with a stop codon.
Molecular consequence: nonsense. On other transcripts: non-coding transcript variant (1).
Genome position (GRCh38, 1-based): chr17:81,511,320, C>A on the plus strand (G>T on the coding strand, the complement: ACTG1 is on the minus strand). VCF-style: chr17-81511320-C-A. GRCh37 (hg19) VCF-style: chr17-79478346-C-A.
Other names: c.670G>T, p.Glu224Ter (NM_001199954.3); short protein forms E224*.
Identifiers: ClinVar variation 1306532 (VCV001306532.2), dbSNP rs2143777663, ClinGen allele CA401460180.